The following is an entry in ClinVar:

ClinVar aggregate classification (germline): Likely benign. Review status: criteria provided, multiple submitters, no conflicts (2 of 4 stars). 3 submissions from 3 submitters: Likely benign (3). Last evaluated 2025-10-29.

Conditions:
Joubert syndrome. Also called: JOUBERT-BOLTSHAUSER SYNDROME; Familial aplasia of the vermis. Identifiers: Orphanet 475, MedGen C5979921, MONDO:0018772.
Meckel-Gruber syndrome. Also called: DYSENCEPHALIA SPLANCHNOCYSTICA; GRUBER SYNDROME; Dysencephalia splachnocystica. Identifiers: Orphanet 564, MedGen C0265215, MONDO:0018921.
CC2D2A-related disorder. Also called: CC2D2A-related condition; CC2D2A-related disorders. Identifiers: MedGen CN239313.

Allele frequency attached by ClinVar (database versions not stated): TOPMed below 0.00001; gnomAD 0.00001; gnomAD exomes 0.00001.
gnomAD v4.1: 9 of 1,602,450 alleles (0.00056%); highest among the groups gnomAD compares: Middle Eastern, 0.017%; no homozygotes.

Submissions (3):

Labcorp Genetics (formerly Invitae), Labcorp
Classification: Likely benign for Joubert syndrome; Meckel-Gruber syndrome. Last evaluated: 2025-10-29. Review status: criteria provided, single submitter. Criteria: Invitae Variant Classification Sherloc (09022015). Collection method: clinical testing. Allele origin: germline.

PreventionGenetics, part of Exact Sciences
Classification: Likely benign for CC2D2A-related condition. Last evaluated: 2025-04-23. Review status: criteria provided, single submitter. Criteria: ACMG Guidelines, 2015. Collection method: clinical testing. Allele origin: germline.
Comment: This variant is classified as likely benign based on ACMG/AMP sequence variant interpretation guidelines (Richards et al. 2015 PMID: 25741868, with internal and published modifications).

Blueprint Genetics
Classification: Likely benign. Last evaluated: 2024-09-10. Review status: criteria provided, single submitter. Criteria: ACMG Guidelines, 2015. Collection method: clinical testing. Allele origin: germline.

NM_001378615.1(CC2D2A):c.1524T>C (p.Thr508=)

Genes: CC2D2A (coiled-coil and C2 domain containing 2A; plus strand), FBXL5 (F-box and leucine rich repeat protein 5; minus strand). Cytogenetic location: 4p15.32.
Variant type: single nucleotide variant.
Coding change: c.1524T>C on transcript NM_001378615.1 (MANE Select); coding-DNA position 1524, T replaced by C.
Protein change: p.Thr508=; no amino-acid change (threonine 508 retained).
Molecular consequence: synonymous variant.
Genome position (GRCh38, 1-based): chr4:15,533,250, T>C. VCF-style: chr4-15533250-T-C. GRCh37 (hg19) VCF-style: chr4-15534873-T-C.
Other names: c.1524T>C, p.Thr508= (NM_001080522.2); c.1377T>C, p.Thr459= (NM_001378617.1).
Identifiers: ClinVar variation 2928710 (VCV002928710.5), dbSNP rs1183201879, ClinGen allele CA438383532.